The following is an entry in ClinVar:

ClinVar aggregate classification (germline): Conflicting classifications of pathogenicity. Review status: criteria provided, conflicting classifications (1 of 4 stars). 2 submissions from 2 submitters: Uncertain significance (1); Likely benign (1). Last evaluated 2026-08-06.

Conditions:
Primary ciliary dyskinesia. Also called: Ciliary dyskinesia. Identifiers: Orphanet 244, MedGen C0008780, MONDO:0016575, HP:0012265.
RPGR-related disorder. Also called: RPGR-related condition.

Submissions (2):

PreventionGenetics, part of Exact Sciences
Classification: Likely benign for RPGR-related condition. Last evaluated: 2026-08-06. Review status: criteria provided, single submitter. Criteria: ACMG Guidelines, 2015. Collection method: clinical testing. Allele origin: germline.
Comment: This variant is classified as likely benign based on ACMG/AMP sequence variant interpretation guidelines (Richards et al. 2015 PMID: 25741868, with internal and published modifications).

Labcorp Genetics (formerly Invitae), Labcorp
Classification: Uncertain significance for Primary ciliary dyskinesia. Last evaluated: 2025-04-16. Review status: criteria provided, single submitter. Criteria: Invitae Variant Classification Sherloc (09022015). Collection method: clinical testing. Allele origin: germline.
Comment: This variant, c.2841_2863delinsAGGGGAGGATGGAGAAG, is a complex sequence change that results in the deletion of 6 and insertion of 4 amino acid(s) in the RPGR (ORF15) protein (p.Glu950_Trp955delinsAspGlyGluGly). The frequency data for this variant in the population databases is considered unreliable, as metrics indicate insufficient coverage at this position in the gnomAD database. This variant has not been reported in the literature in individuals affected with RPGR (ORF15)-related conditions. ClinVar contains an entry for this variant (Variation ID: 2028703). Experimental studies and prediction algorithms are not available or were not evaluated, and the functional significance of this variant is currently unknown. In summary, the available evidence is currently insufficient to determine the role of this variant in disease. Therefore, it has been classified as a Variant of Uncertain Significance.

NM_001034853.2(RPGR):c.2841_2863delinsAGGGGAGGATGGAGAAG (p.Glu950_Trp955delinsAspGlyGluGly)

Gene: RPGR (retinitis pigmentosa GTPase regulator; minus strand). Cytogenetic location: Xp11.4.
Variant type: Indel.
Coding change: c.2841_2863delinsAGGGGAGGATGGAGAAG on transcript NM_001034853.2 (MANE Select); coding-DNA positions 2841 to 2863, GGGGGAAGAGGAGGAAGGAGAAT replaced by AGGGGAGGATGGAGAAG.
Protein change: p.Glu950_Trp955delinsAspGlyGluGly.
Molecular consequence: inframe indel. On other transcripts: intron variant (8).
Genome position (GRCh38, 1-based): chrX:38,286,136-38,286,158, ATTCTCCTTCCTCCTCTTCCCCC replaced by CTTCTCCATCCTCCCCT on the plus strand (GGGGGAAGAGGAGGAAGGAGAAT replaced by AGGGGAGGATGGAGAAG on the coding strand, the reverse complement: RPGR is on the minus strand). GRCh37 (hg19): chrX:38,145,389-38,145,411.
Other names: c.1569+4801_1569+4823delinsAGGGGAGGATGGAGAAG (NM_001367249.1, NM_001367250.1); c.1902+936_1902+958delinsAGGGGAGGATGGAGAAG (NM_001367245.1); c.1386+4801_1386+4823delinsAGGGGAGGATGGAGAAG (NM_001367251.1); c.1719+936_1719+958delinsAGGGGAGGATGGAGAAG (NM_001367246.1); c.1572+4801_1572+4823delinsAGGGGAGGATGGAGAAG (NM_001367247.1); c.1905+936_1905+958delinsAGGGGAGGATGGAGAAG (NM_000328.3); c.1602+4801_1602+4823delinsAGGGGAGGATGGAGAAG (NM_001367248.1); c.2841_2863delinsAGGGGAGGATGGAGAAG (NM_001034853.1).
Identifiers: ClinVar variation 2028703 (VCV002028703.5), dbSNP rs2519785937, ClinGen allele CA2580100837.